The following is an entry in ClinVar:

NM_001447.3(FAT2):c.4516C>G (p.Leu1506Val)

Genes: FAT2 (FAT atypical cadherin 2; minus strand), SLC36A1 (solute carrier family 36 member 1; plus strand). Cytogenetic location: 5q33.1.
Variant type: single nucleotide variant.
Coding change: c.4516C>G on transcript NM_001447.3 (MANE Select); coding-DNA position 4516, C replaced by G.
Protein change: p.Leu1506Val; replaces leucine 1506 with valine.
Molecular consequence: missense variant.
Genome position (GRCh38, 1-based): chr5:151,550,652, G>C on the plus strand (C>G on the coding strand, the complement: FAT2 is on the minus strand). VCF-style: chr5-151550652-G-C. GRCh37 (hg19) VCF-style: chr5-150930213-G-C.
Other names: short protein forms L1506V.
Identifiers: ClinVar variation 2695697 (VCV002695697.3), dbSNP rs2479891175, ClinGen allele CA361845983.

ClinVar aggregate classification (germline): Uncertain significance (1 of 4 stars; one submission).

Submission:

Labcorp Genetics (formerly Invitae), Labcorp
Classification: Uncertain significance. Last evaluated: 2024-02-19. Review status: criteria provided, single submitter. Criteria: Invitae Variant Classification Sherloc (09022015). Collection method: clinical testing. Allele origin: germline.
Comment: This sequence change replaces leucine, which is neutral and non-polar, with valine, which is neutral and non-polar, at codon 1506 of the FAT2 protein (p.Leu1506Val). This variant is not present in population databases (gnomAD no frequency). This variant has not been reported in the literature in individuals affected with FAT2-related conditions. An algorithm developed to predict the effect of missense changes on protein structure and function (PolyPhen-2) suggests that this variant is likely to be disruptive. In summary, the available evidence is currently insufficient to determine the role of this variant in disease. Therefore, it has been classified as a Variant of Uncertain Significance.